The following is an entry in ClinVar:

ClinVar aggregate classification (germline): Uncertain significance (1 of 4 stars; one submission).

Conditions:
Febrile seizures, familial, 11 (FEB11). Also called: CONVULSIONS, FAMILIAL FEBRILE, 11. Identifiers: MedGen C3280734, MONDO:0024566, OMIM 614418.

Allele frequency attached by ClinVar (database versions not stated): gnomAD exomes below 0.00001.
gnomAD v4.1: 1 of 1,479,232 alleles (0.000068%); highest among the groups gnomAD compares: Admixed American, 0.0017%; no homozygotes.

Submission:

Labcorp Genetics (formerly Invitae), Labcorp
Classification: Uncertain significance for Febrile seizures, familial, 11. Last evaluated: 2022-02-24. Review status: criteria provided, single submitter. Criteria: Invitae Variant Classification Sherloc (09022015). Collection method: clinical testing. Allele origin: germline.
Comment: In summary, the available evidence is currently insufficient to determine the role of this variant in disease. Therefore, it has been classified as a Variant of Uncertain Significance. Variants that disrupt the consensus splice site are a relatively common cause of aberrant splicing (PMID: 17576681, 9536098). Algorithms developed to predict the effect of sequence changes on RNA splicing suggest that this variant may disrupt the consensus splice site. ClinVar contains an entry for this variant (Variation ID: 1006154). This variant has not been reported in the literature in individuals affected with CPA6-related conditions. This variant is not present in population databases (gnomAD no frequency). This sequence change falls in intron 7 of the CPA6 gene. It does not directly change the encoded amino acid sequence of the CPA6 protein. It affects a nucleotide within the consensus splice site.

Literature cited by the submitters: PubMed 17576681; PubMed 9536098.

NM_020361.5(CPA6):c.747+4A>G

Genes: ARFGEF1-DT (ARFGEF1 divergent transcript; plus strand), CPA6 (carboxypeptidase A6; minus strand). Cytogenetic location: 8q13.2.
Variant type: single nucleotide variant.
Coding change: c.747+4A>G on transcript NM_020361.5 (MANE Select); 4 bases into the intron after coding-DNA position 747, A replaced by G.
Molecular consequence: intron variant.
Genome position (GRCh38, 1-based): chr8:67,484,675, T>C on the plus strand (A>G on the coding strand, the complement: CPA6 is on the minus strand). VCF-style: chr8-67484675-T-C. GRCh37 (hg19) VCF-style: chr8-68396910-T-C.
Identifiers: ClinVar variation 1006154 (VCV001006154.6), dbSNP rs1811436335, ClinGen allele CA1790972294.
Genomic context (GRCh38, chr8:67,484,675, plus strand): 5'-TTGTGACTCTGTTTTCTATGATTTATTTAGTCCTCTTTTCAACTGGGTAGGCAAAGTGAC[T>C]TACATTGGTCCAACTAAAATGGTATCCATCGACGTTAAACACAGGCATGATATAGAAATA-3'